The following is an entry in ClinVar:

NM_031844.3(HNRNPU):c.918C>T (p.Leu306=)

Gene: HNRNPU (heterogeneous nuclear ribonucleoprotein U; minus strand). Cytogenetic location: 1q44.
Variant type: single nucleotide variant.
Coding change: c.918C>T on transcript NM_031844.3 (MANE Select); coding-DNA position 918, C replaced by T.
Protein change: p.Leu306=; no amino-acid change (leucine 306 retained).
Molecular consequence: synonymous variant.
Genome position (GRCh38, 1-based): chr1:244,860,434, G>A on the plus strand (C>T on the coding strand, the complement: HNRNPU is on the minus strand). VCF-style: chr1-244860434-G-A. GRCh37 (hg19) VCF-style: chr1-245023736-G-A.
Other names: c.861C>T, p.Leu287= (NM_004501.3).
Identifiers: ClinVar variation 1675413 (VCV001675413.33), dbSNP rs1326720206, ClinGen allele CA424118098.

ClinVar aggregate classification (germline): Likely benign (1 of 4 stars; one submission).

Allele frequency attached by ClinVar (database versions not stated): gnomAD exomes below 0.00001.
gnomAD v4.1: 1 of 1,602,736 alleles (0.000062%); highest among the groups gnomAD compares: South Asian, 0.0011%; no homozygotes.

Submission:

CeGaT Center for Human Genetics Tuebingen
Classification: Likely benign. Last evaluated: 2022-03-01. Review status: criteria provided, single submitter. Criteria: CeGaT Center For Human Genetics Tuebingen Variant Classification Criteria Version 2. Collection method: clinical testing. Allele origin: germline. Affected: yes. Observed: 1 variant allele.
Comment: HNRNPU: BP4, BP7